The following is an entry in ClinVar:

NM_001080472.4(FITM2):c.465C>G (p.His155Gln)

Gene: FITM2 (fat storage inducing transmembrane protein 2; minus strand). Cytogenetic location: 20q13.12.
Variant type: single nucleotide variant.
Coding change: c.465C>G on transcript NM_001080472.4 (MANE Select); coding-DNA position 465, C replaced by G.
Protein change: p.His155Gln; replaces histidine 155 with glutamine.
Molecular consequence: missense variant.
Genome position (GRCh38, 1-based): chr20:44,306,949, G>C on the plus strand (C>G on the coding strand, the complement: FITM2 is on the minus strand). VCF-style: chr20-44306949-G-C. GRCh37 (hg19) VCF-style: chr20-42935589-G-C.
Other names: short protein forms H155Q.
Identifiers: ClinVar variation 3896652 (VCV003896652.2).

ClinVar aggregate classification (germline): Uncertain significance (1 of 4 stars; one submission).

gnomAD v4.1: 9 of 1,614,114 alleles (0.00056%); highest among the groups gnomAD compares: Admixed American, 0.0017%; no homozygotes.

Submission:

Women's Health and Genetics/Laboratory Corporation of America, LabCorp
Classification: Uncertain significance. Last evaluated: 2025-04-24. Review status: criteria provided, single submitter. Criteria: LabCorp Variant Classification Summary - May 2015. Collection method: clinical testing. Allele origin: germline.
Comment: Variant summary: FITM2 c.465C>G (p.His155Gln) results in a non-conservative amino acid change located in the Active site (UniProt, PMID: 32915949) of the encoded protein sequence. Five of five in-silico tools predict a damaging effect of the variant on protein function. The variant allele was found at a frequency of 5.6e-06 in 1607118 control chromosomes in the gnomAD database (v4.1 dataset). The variant, c.465C>G, has been observed in at least one individual affected with overlapping features of Siddiqi Syndrome (internal data), who carried a truncation variant in trans. At least one publication reported experimental evidence reporting that a different missense affecting the same (catalytic) amino acid residue (H155A), was unable to rescue the phenotype observed in FIT2 KO yeast cells (Becuwe_2020). The following publications have been ascertained in the context of this evaluation (PMID: 32915949). No submitters have cited clinical-significance assessments for this variant to ClinVar. Based on the evidence outlined above, the variant was classified as VUS-possibly pathogenic.

Literature cited by the submitters: PubMed 32915949.